The following is an entry in ClinVar:

ClinVar aggregate classification (germline): Likely pathogenic (1 of 4 stars; one submission).

Submission:

Labcorp Genetics (formerly Invitae), Labcorp
Classification: Likely pathogenic. Last evaluated: 2025-11-24. Review status: criteria provided, single submitter. Criteria: Invitae Variant Classification Sherloc (09022015). Collection method: clinical testing. Allele origin: germline.
Comment: This sequence change affects a donor splice site in intron 13 of the COQ8A gene. It is expected to disrupt RNA splicing. Variants that disrupt the donor or acceptor splice site typically lead to a loss of protein function (PMID: 16199547), and loss-of-function variants in COQ8A are known to be pathogenic (PMID: 18319074, 20580948). This variant is not present in population databases (gnomAD no frequency). This variant has not been reported in the literature in individuals affected with COQ8A-related conditions. Algorithms developed to predict the effect of sequence changes on RNA splicing suggest that this variant may disrupt the consensus splice site. In summary, the currently available evidence indicates that the variant is pathogenic, but additional data are needed to prove that conclusively. Therefore, this variant has been classified as Likely Pathogenic.

Literature cited by the submitters: PubMed 16199547; PubMed 18319074; PubMed 20580948.

NM_020247.5(COQ8A):c.1572+2T>G

Gene: COQ8A (coenzyme Q8A; plus strand). Cytogenetic location: 1q42.13.
Variant type: single nucleotide variant.
Coding change: c.1572+2T>G on transcript NM_020247.5 (MANE Select); the canonical splice donor site of the intron after coding-DNA position 1572, T replaced by G.
Molecular consequence: splice donor variant.
Genome position (GRCh38, 1-based): chr1:226,984,943, T>G. VCF-style: chr1-226984943-T-G. GRCh37 (hg19) VCF-style: chr1-227172644-T-G.
Identifiers: ClinVar variation 4731777 (VCV004731777.1).